The following is an entry in ClinVar:

ClinVar aggregate classification (germline): Pathogenic (1 of 4 stars; one submission).

Conditions:
Severe myoclonic epilepsy in infancy (DRVT). Also called: Epileptic encephalopathy, early infantile, 6 (Dravet syndrome); SEVERE MYOCLONIC EPILEPSY OF INFANCY; DEVELOPMENTAL AND EPILEPTIC ENCEPHALOPATHY 6A; Severe Myoclonic Epilepsy in Infancy (SMEI); Dravet syndrome. Identifiers: Orphanet 33069, MedGen C0751122, MONDO:0100135, OMIM 607208.

Submission:

Center for Bioinformatics, Peking University
Classification: Pathogenic for Dravet syndrome. Last evaluated: 2014-12-20. Review status: criteria provided, single submitter. Criteria: Xu et al. (Hum Mutat. 2015). Collection method: research. Allele origin: de novo. Affected: yes. Observed: 1 variant allele. Study: University Clinical Cooperation “985 Project” PKU-2014-1-1.
Comment: Dravet syndrome (DS) probands were recruited from the outpatient and inpatient child neurology units of Peking University First Hospital from 2005 till present. The study was approved by the Ethics Committee of Peking University First Hospital and the Institutional Review Board at Peking University. Participants or their parents provided written informed consent before enrollment. We collected a total of 267 mutations from 255 families with probands diagnosed with DS in China. All probands fulfilled the clinical diagnostic criteria.

NM_001165963.4(SCN1A):c.1660dup (p.Gln554fs)

Gene: SCN1A (sodium voltage-gated channel alpha subunit 1; minus strand). Cytogenetic location: 2q24.3.
Variant type: Duplication.
Coding change: c.1660dup on transcript NM_001165963.4 (MANE Select); coding-DNA position 1660, one base duplicated (C; older notation c.1660dupC).
Protein change: p.Gln554fs; shifts the reading frame from glutamine 554.
Molecular consequence: frameshift variant. On other transcripts: 5 prime UTR variant (1), non-coding transcript variant (1).
Genome position (GRCh38, 1-based): chr2:166,045,045, G duplicated on the plus strand (C on the coding strand, the reverse complement: SCN1A is on the minus strand); the first of 2 consecutive G bases (chr2:166,045,045-166,045,046); duplicating either gives the same sequence. VCF-style (leftmost placement, unchanged base first): chr2-166045044-T-TG. GRCh37 (hg19) VCF-style: chr2-166901554-T-TG.
Other names: c.1660dup, p.Gln554fs (NM_001165964.3, NM_001202435.3, NM_001353948.2 and 7 more transcripts); c.1657dup, p.Gln553fs (NM_001353954.2, NM_001353955.2, NM_001353960.2); c.-766dup (NM_001353961.2); short protein forms Q554fs, Q553fs.
Identifiers: ClinVar variation 189868 (VCV000189868.1), dbSNP rs794726717, ClinGen allele CA303153.